The following is an entry in ClinVar:

ClinVar aggregate classification (germline): Conflicting classifications of pathogenicity. Review status: criteria provided, conflicting classifications (1 of 4 stars). 5 submissions from 5 submitters: Uncertain significance (2); Likely benign (3). Last evaluated 2025-12-16.

Conditions:
CACNA1B-related disorder. Also called: CACNA1B-related condition.

Allele frequency attached by ClinVar (database versions not stated): 1000 Genomes Project 0.00040; 1000 Genomes Project 30x 0.00047; gnomAD 0.00067 and 0.00072; ESP Exome Variant Server 0.00113.
gnomAD v4.1: 1,585 of 1,613,280 alleles (0.098%); highest among the groups gnomAD compares: Non-Finnish European, 0.12%; 2 homozygotes.

Submissions (5):

Labcorp Genetics (formerly Invitae), Labcorp
Classification: Likely benign. Last evaluated: 2025-12-16. Review status: criteria provided, single submitter. Criteria: Invitae Variant Classification Sherloc (09022015). Collection method: clinical testing. Allele origin: germline.

PreventionGenetics, part of Exact Sciences
Classification: Likely benign for CACNA1B-related condition. Last evaluated: 2025-08-18. Review status: criteria provided, single submitter. Criteria: ACMG Guidelines, 2015. Collection method: clinical testing. Allele origin: germline.
Comment: This variant is classified as likely benign based on ACMG/AMP sequence variant interpretation guidelines (Richards et al. 2015 PMID: 25741868, with internal and published modifications).

CeGaT Center for Human Genetics Tuebingen
Classification: Uncertain significance. Last evaluated: 2022-08-01. Review status: criteria provided, single submitter. Criteria: CeGaT Center For Human Genetics Tuebingen Variant Classification Criteria Version 2. Collection method: clinical testing. Allele origin: germline. Affected: yes. Observed: 1 variant allele.
Comment: CACNA1B: PP2

Ambry Genetics
Classification: Uncertain significance. Last evaluated: 2021-11-08. Review status: criteria provided, single submitter. Criteria: Ambry Variant Classification Scheme 2023. Collection method: clinical testing. Allele origin: germline.

Breakthrough Genomics
Classification: Likely benign. Review status: criteria provided, single submitter. Criteria: ACMG Guidelines, 2015. Collection method: not provided. Allele origin: germline. Inheritance: Autosomal recessive inheritance. Affected: yes.

NM_000718.4(CACNA1B):c.6724G>C (p.Asp2242His)

Gene: CACNA1B (calcium voltage-gated channel subunit alpha1 B; plus strand). Cytogenetic location: 9q34.3.
Variant type: single nucleotide variant.
Coding change: c.6724G>C on transcript NM_000718.4 (MANE Select); coding-DNA position 6724, G replaced by C.
Protein change: p.Asp2242His; replaces aspartic acid 2242 with histidine.
Molecular consequence: missense variant.
Genome position (GRCh38, 1-based): chr9:138,121,703, G>C. VCF-style: chr9-138121703-G-C. GRCh37 (hg19) VCF-style: chr9-141016155-G-C.
Other names: c.6537G>C, p.Glu2179Asp (NM_001243812.2); c.6724G>C (NM_000718.3); short protein forms D2242H, E2179D.
Identifiers: ClinVar variation 1549873 (VCV001549873.34), dbSNP rs79400016, ClinGen allele CA5377790.